The following is an entry in ClinVar:

NM_002609.4(PDGFRB):c.1940C>T (p.Ala647Val)

Gene: PDGFRB (platelet derived growth factor receptor beta; minus strand). Cytogenetic location: 5q32.
Variant type: single nucleotide variant.
Coding change: c.1940C>T on transcript NM_002609.4 (MANE Select); coding-DNA position 1940, C replaced by T.
Protein change: p.Ala647Val; replaces alanine 647 with valine.
Molecular consequence: missense variant.
Genome position (GRCh38, 1-based): chr5:150,124,333, G>A on the plus strand (C>T on the coding strand, the complement: PDGFRB is on the minus strand). VCF-style: chr5-150124333-G-A. GRCh37 (hg19) VCF-style: chr5-149503896-G-A.
Other names: c.1748C>T, p.Ala583Val (NM_001355016.2); c.1457C>T, p.Ala486Val (NM_001355017.2); short protein forms A486V, A583V, A647V.
Identifiers: ClinVar variation 4782939 (VCV004782939.1).

ClinVar aggregate classification (germline): Uncertain significance (1 of 4 stars; one submission).

Conditions:
Skeletal overgrowth-craniofacial dysmorphism-hyperelastic skin-white matter lesions syndrome. Also called: SKELETAL OVERGROWTH WITH FACIAL DYSMORPHISM, HYPERELASTIC SKIN, WHITE MATTER LESIONS, AND NEUROLOGIC DETERIORATION; Kosaki overgrowth syndrome. Identifiers: Orphanet 477831, MedGen C4225270, MONDO:0014704, OMIM 616592.
Acroosteolysis-keloid-like lesions-premature aging syndrome. Also called: Premature aging syndrome, Penttinen type; Prematurely aged appearance, delayed bone maturation, acro-osteolysis, and brachydactyly; Progeroid syndrome, Penttinen type. Identifiers: Orphanet 363665, MedGen C1866182, MONDO:0011150, OMIM 601812.
Infantile myofibromatosis (IMF). Also called: Congenital generalized fibromatosis. Identifiers: Orphanet 2591, MedGen C0432284, MONDO:0016824.
Basal ganglia calcification, idiopathic, 4 (PFBC4). Also called: Familial Idiopathic Basal Ganglia Calcification 4; PRIMARY FAMILIAL BRAIN CALCIFICATION 4, AUTOSOMAL DOMINANT. Identifiers: Orphanet 1980, MedGen C3554321, MONDO:0014004, OMIM 615007.

Submission:

Labcorp Genetics (formerly Invitae), Labcorp
Classification: Uncertain significance for Basal ganglia calcification, idiopathic, 4; Skeletal overgrowth-craniofacial dysmorphism-hyperelastic skin-white matter lesions syndrome; Infantile myofibromatosis; Acroosteolysis-keloid-like lesions-premature aging syndrome. Last evaluated: 2025-04-17. Review status: criteria provided, single submitter. Criteria: Invitae Variant Classification Sherloc (09022015). Collection method: clinical testing. Allele origin: germline.
Comment: This sequence change replaces alanine, which is neutral and non-polar, with valine, which is neutral and non-polar, at codon 647 of the PDGFRB protein (p.Ala647Val). This variant is not present in population databases (gnomAD no frequency). This variant has not been reported in the literature in individuals affected with PDGFRB-related conditions. Invitae Evidence Modeling of protein sequence and biophysical properties (such as structural, functional, and spatial information, amino acid conservation, physicochemical variation, residue mobility, and thermodynamic stability) indicates that this missense variant is not expected to disrupt PDGFRB protein function with a negative predictive value of 80%. In summary, the available evidence is currently insufficient to determine the role of this variant in disease. Therefore, it has been classified as a Variant of Uncertain Significance.